The following is an entry in ClinVar:

ClinVar aggregate classification (germline): Conflicting classifications of pathogenicity. Review status: criteria provided, conflicting classifications (1 of 4 stars). 4 submissions from 4 submitters: Uncertain significance (3); Benign (1). Last evaluated 2025-05-13.

Conditions:
Cardiovascular phenotype. Identifiers: MedGen CN230736.
Brugada syndrome 3 (BRGDA3). Identifiers: Orphanet 130, MedGen C2678478, MONDO:0012742, OMIM 611875.
Neurodevelopmental disorder with hypotonia, language delay, and skeletal defects with or without seizures (NEDHLSS). Identifiers: MedGen C5774213, MONDO:0859286, OMIM 620029.
Timothy syndrome (TS). Also called: LONG QT SYNDROME WITH SYNDACTYLY. Identifiers: Orphanet 65283, MedGen C1832916, MeSH C536962, MONDO:0010979, OMIM 601005.
Long QT syndrome 8. Identifiers: MedGen CN260585, MONDO:0032756, OMIM 618447.
Long QT syndrome (LQTS). Identifiers: MedGen C0023976, MeSH D008133, MONDO:0002442. Disease mechanism: loss of function. Inheritance: Various modes of inheritance.

Allele frequency attached by ClinVar (database versions not stated): gnomAD 0.00001 and 0.00002; TOPMed 0.00002; gnomAD exomes 0.00006; ExAC 0.00009.
gnomAD v4.1: 48 of 1,613,546 alleles (0.003%); highest among the groups gnomAD compares: South Asian, 0.027%; no homozygotes.

Submissions (4):

GeneDx
Classification: Uncertain significance. Last evaluated: 2025-05-13. Review status: criteria provided, single submitter. Criteria: GeneDx Variant Classification Process June 2021. Collection method: clinical testing. Allele origin: germline. Affected: yes.
Comment: In silico analysis suggests that this missense variant does not alter protein structure/function; Reported in a patient with confirmed or suspected LQTS in published literature (PMID: 31737537); This variant is associated with the following publications: (PMID: 31737537)

Ambry Genetics
Classification: Benign for Cardiovascular phenotype. Last evaluated: 2025-01-14. Review status: criteria provided, single submitter. Criteria: Ambry Variant Classification Scheme 2023. Collection method: clinical testing. Allele origin: germline.

Labcorp Genetics (formerly Invitae), Labcorp
Classification: Uncertain significance for Long QT syndrome. Last evaluated: 2024-12-05. Review status: criteria provided, single submitter. Criteria: Invitae Variant Classification Sherloc (09022015). Collection method: clinical testing. Allele origin: germline.
Comment: This sequence change replaces alanine, which is neutral and non-polar, with valine, which is neutral and non-polar, at codon 1648 of the CACNA1C protein (p.Ala1648Val). This variant is present in population databases (rs767199033, gnomAD 0.05%), and has an allele count higher than expected for a pathogenic variant. This missense change has been observed in individual(s) with clinical features of CACNA1C-related conditions (PMID: 31737537). ClinVar contains an entry for this variant (Variation ID: 1468528). Invitae Evidence Modeling of protein sequence and biophysical properties (such as structural, functional, and spatial information, amino acid conservation, physicochemical variation, residue mobility, and thermodynamic stability) has been performed for this missense variant. However, the output from this modeling did not meet the statistical confidence thresholds required to predict the impact of this variant on CACNA1C protein function. In summary, the available evidence is currently insufficient to determine the role of this variant in disease. Therefore, it has been classified as a Variant of Uncertain Significance.

Fulgent Genetics
Classification: Uncertain significance for Timothy syndrome; Brugada syndrome 3; Long QT syndrome 8; Neurodevelopmental disorder with hypotonia, language delay, and skeletal defects with or without seizures. Last evaluated: 2024-04-30. Review status: criteria provided, single submitter. Criteria: ACMG Guidelines, 2015. Collection method: clinical testing. Allele origin: germline.

Literature cited by the submitters: PubMed 31737537 (cited by Labcorp Genetics (formerly Invitae), Labcorp).

NM_000719.7(CACNA1C):c.4943C>T (p.Ala1648Val)

Genes: CACNA1C (calcium voltage-gated channel subunit alpha1 C; plus strand), CACNA1C-AS1 (CACNA1C antisense RNA 1; minus strand). Cytogenetic location: 12p13.33.
Variant type: single nucleotide variant.
Coding change: c.4943C>T on transcript NM_000719.7 (MANE Select); coding-DNA position 4943, C replaced by T.
Protein change: p.Ala1648Val; replaces alanine 1648 with valine.
Molecular consequence: missense variant. On other transcripts: non-coding transcript variant (1).
Genome position (GRCh38, 1-based): chr12:2,677,208, C>T. VCF-style: chr12-2677208-C-T. GRCh37 (hg19) VCF-style: chr12-2786374-C-T.
Other names: c.4943C>T (NM_000719.6); c.5087C>T, p.Ala1696Val (NM_001129827.2, NM_199460.4); c.5066C>T, p.Ala1689Val (NM_001129829.2); c.4943C>T, p.Ala1648Val (NM_001129830.3, NM_001129840.2, NM_001129841.2 and 4 more transcripts); c.5027C>T, p.Ala1676Val (NM_001129831.2); c.5003C>T, p.Ala1668Val (NM_001129832.2); c.5000C>T, p.Ala1667Val (NM_001129833.2, NM_001129834.2, NM_001129835.2); c.4994C>T, p.Ala1665Val (NM_001129836.2); and 4 more; short protein forms A1656V, A1637V, A1667V, A1689V, A1696V, A1645V, A1648V, A1654V.
Identifiers: ClinVar variation 1468528 (VCV001468528.10), dbSNP rs767199033, ClinGen allele CA6389646.